The following is an entry in ClinVar:

ClinVar aggregate classification (germline): Uncertain significance (1 of 4 stars; one submission).

Allele frequency attached by ClinVar (database versions not stated): gnomAD exomes 0.00002; gnomAD 0.00003; TOPMed 0.00003.
gnomAD v4.1: 35 of 1,613,880 alleles (0.0022%); highest among the groups gnomAD compares: Non-Finnish European, 0.0029%; no homozygotes.

Submission:

Labcorp Genetics (formerly Invitae), Labcorp
Classification: Uncertain significance. Last evaluated: 2023-05-22. Review status: criteria provided, single submitter. Criteria: Invitae Variant Classification Sherloc (09022015). Collection method: clinical testing. Allele origin: germline.
Comment: ClinVar contains an entry for this variant (Variation ID: 1972177). This variant has not been reported in the literature in individuals affected with KMT2A-related conditions. This variant is not present in population databases (gnomAD no frequency). This sequence change replaces glycine, which is neutral and non-polar, with serine, which is neutral and polar, at codon 276 of the KMT2A protein (p.Gly276Ser). Advanced modeling of protein sequence and biophysical properties (such as structural, functional, and spatial information, amino acid conservation, physicochemical variation, residue mobility, and thermodynamic stability) performed at Invitae indicates that this missense variant is not expected to disrupt KMT2A protein function. In summary, the available evidence is currently insufficient to determine the role of this variant in disease. Therefore, it has been classified as a Variant of Uncertain Significance.

NM_001197104.2(KMT2A):c.826G>A (p.Gly276Ser)

Gene: KMT2A (lysine methyltransferase 2A; plus strand). Cytogenetic location: 11q23.3.
Variant type: single nucleotide variant.
Coding change: c.826G>A on transcript NM_001197104.2 (MANE Select); coding-DNA position 826, G replaced by A.
Protein change: p.Gly276Ser; replaces glycine 276 with serine.
Molecular consequence: missense variant.
Genome position (GRCh38, 1-based): chr11:118,471,985, G>A. VCF-style: chr11-118471985-G-A. GRCh37 (hg19) VCF-style: chr11-118342700-G-A.
Other names: c.925G>A, p.Gly309Ser (NM_001412597.1); c.826G>A, p.Gly276Ser (NM_005933.4); short protein forms G276S, G309S.
Identifiers: ClinVar variation 1972177 (VCV001972177.5), dbSNP rs1365747318, ClinGen allele CA382808067.